The following is an entry in ClinVar:

NM_001267550.2(TTN):c.99782G>A (p.Arg33261His)

Genes: TTN (titin; minus strand), TTN-AS1 (TTN antisense RNA 1; plus strand), LOC126806420 (BRD4-independent group 4 enhancer GRCh37_chr2:179401104-179402303; plus strand). Cytogenetic location: 2q31.2.
Variant type: single nucleotide variant.
Coding change: c.99782G>A on transcript NM_001267550.2 (MANE Select); coding-DNA position 99782, G replaced by A.
Protein change: p.Arg33261His; replaces arginine 33261 with histidine.
Molecular consequence: missense variant. On other transcripts: non-coding transcript variant (1).
Genome position (GRCh38, 1-based): chr2:178,537,425, C>T on the plus strand (G>A on the coding strand, the complement: TTN is on the minus strand). VCF-style: chr2-178537425-C-T. GRCh37 (hg19) VCF-style: chr2-179402152-C-T.
Other names: c.94859G>A, p.Arg31620His (NM_001256850.1); c.72587G>A, p.Arg24196His (NM_003319.4); c.92078G>A, p.Arg30693His (NM_133378.4); c.72962G>A, p.Arg24321His (NM_133432.3); c.73163G>A, p.Arg24388His (NM_133437.4); short protein forms R24321H, R31620H, R30693H, R24196H, R24388H, R33261H.
Identifiers: ClinVar variation 4982743 (VCV004982743.1).

ClinVar aggregate classification (germline): Uncertain significance (1 of 4 stars; one submission).

Conditions:
TTN-related disorder. Also called: TTN-related disorders; TTN-related condition; TTN-related disease.

gnomAD v4.1: 10 of 1,612,330 alleles (0.00062%); highest among the groups gnomAD compares: African/African-American, 0.004%; no homozygotes.

Submission:

PreventionGenetics, part of Exact Sciences
Classification: Uncertain significance for TTN-related condition. Last evaluated: 2026-08-10. Review status: criteria provided, single submitter. Criteria: ACMG Guidelines, 2015. Collection method: clinical testing. Allele origin: germline.
Comment: The TTN c.99782G>A variant is predicted to result in the amino acid substitution p.Arg33261His. To our knowledge, this variant has not been reported in the literature. This variant is reported in 0.0083% of alleles in individuals of African descent in gnomAD. At this time, the clinical significance of this variant is uncertain due to the absence of conclusive functional and genetic evidence.